The following is an entry in ClinVar:

ClinVar aggregate classification (germline): Benign/Likely benign. Review status: criteria provided, multiple submitters, no conflicts (2 of 4 stars). 6 submissions from 6 submitters: Benign (5); Likely benign (1). Last evaluated 2026-02-02.

Conditions:
Fraser syndrome 2 (FRASRS2). Identifiers: MedGen C4540036, MONDO:0054738, OMIM 617666.

Allele frequency attached by ClinVar (database versions not stated): gnomAD 0.04954 and 0.05332; TOPMed 0.05577; 1000 Genomes Project 0.05771; ESP Exome Variant Server 0.05923; 1000 Genomes Project 30x 0.06074.
gnomAD v4.1: 15,374 of 1,607,388 alleles (0.96%); highest among the groups gnomAD compares: African/African-American, 17%; 1,140 homozygotes.

Submissions (6):

Labcorp Genetics (formerly Invitae), Labcorp
Classification: Benign. Last evaluated: 2026-02-02. Review status: criteria provided, single submitter. Criteria: Invitae Variant Classification Sherloc (09022015). Collection method: clinical testing. Allele origin: germline.

Blueprint Genetics
Classification: Likely benign. Last evaluated: 2024-11-27. Review status: criteria provided, single submitter. Criteria: ACMG Guidelines, 2015. Collection method: clinical testing. Allele origin: germline.

Mayo Clinic Laboratories, Mayo Clinic
Classification: Benign. Last evaluated: 2023-04-03. Review status: criteria provided, single submitter. Criteria: ACMG Guidelines, 2015. Collection method: clinical testing. Allele origin: germline. Observed: 2 variant alleles.

Illumina Laboratory Services, Illumina
Classification: Benign for Fraser syndrome 2. Last evaluated: 2018-01-13. Review status: criteria provided, single submitter. Criteria: ICSL Variant Classification Criteria 13 December 2019. Collection method: clinical testing. Allele origin: germline.
Comment: This variant was observed in the ICSL laboratory as part of a predisposition screen in an ostensibly healthy population. It had not been previously curated by ICSL or reported in the Human Gene Mutation Database (HGMD: prior to June 1st, 2018), and was therefore a candidate for classification through an automated scoring system. Utilizing variant allele frequency, disease prevalence and penetrance estimates, and inheritance mode, an automated score was calculated to assess if this variant is too frequent to cause the disease. Based on the score and internal cut-off values, a variant classified as benign is not then subjected to further curation. The score for this variant resulted in a classification of benign for this disease.

Eurofins Ntd Llc (ga)
Classification: Benign. Last evaluated: 2014-12-01. Review status: criteria provided, single submitter. Criteria: EGL Classification Definitions 2015. Collection method: clinical testing. Allele origin: germline. Observed: 1 variant allele, 1 heterozygote.

Breakthrough Genomics
Classification: Benign. Review status: criteria provided, single submitter. Criteria: ACMG Guidelines, 2015. Collection method: not provided. Allele origin: germline. Inheritance: Autosomal recessive inheritance. Affected: yes.

NM_207361.6(FREM2):c.303C>A (p.Pro101=)

Gene: FREM2 (FRAS1 related extracellular matrix 2; plus strand). Cytogenetic location: 13q13.3.
Variant type: single nucleotide variant.
Coding change: c.303C>A on transcript NM_207361.6 (MANE Select); coding-DNA position 303, C replaced by A.
Protein change: p.Pro101=; no amino-acid change (proline 101 retained).
Molecular consequence: synonymous variant.
Genome position (GRCh38, 1-based): chr13:38,687,647, C>A. VCF-style: chr13-38687647-C-A. GRCh37 (hg19) VCF-style: chr13-39261784-C-A.
Other names: p.Pro101=.
Identifiers: ClinVar variation 193538 (VCV000193538.19), dbSNP rs8002488, ClinGen allele CA200647.